The following is an entry in ClinVar:

NM_006269.2(RP1):c.2895T>A (p.Ser965Arg)

Gene: RP1 (RP1 axonemal microtubule associated; plus strand). Cytogenetic location: 8q12.1.
Variant type: single nucleotide variant.
Coding change: c.2895T>A on transcript NM_006269.2 (MANE Select); coding-DNA position 2895, T replaced by A.
Protein change: p.Ser965Arg; replaces serine 965 with arginine.
Molecular consequence: missense variant. On other transcripts: intron variant (1).
Genome position (GRCh38, 1-based): chr8:54,626,777, T>A. VCF-style: chr8-54626777-T-A. GRCh37 (hg19) VCF-style: chr8-55539337-T-A.
Other names: c.2895T>A (NM_006269.1); c.787+4489T>A (NM_001375654.1); short protein forms S965R.
Identifiers: ClinVar variation 1430770 (VCV001430770.7), dbSNP rs536567969, ClinGen allele CA4751603.

ClinVar aggregate classification (germline): Uncertain significance. Review status: criteria provided, multiple submitters, no conflicts (2 of 4 stars). 2 submissions from 2 submitters: Uncertain significance (2). Last evaluated 2026-01-11.

Conditions:
Inborn genetic diseases. Identifiers: MedGen C0950123, MeSH D030342.

Allele frequency attached by ClinVar (database versions not stated): gnomAD exomes 0.00002 and 0.00005; ExAC 0.00006; 1000 Genomes Project 30x 0.00016; 1000 Genomes Project 0.00020.
gnomAD v4.1: 30 of 1,613,832 alleles (0.0019%); highest among the groups gnomAD compares: South Asian, 0.032%; no homozygotes.

Submissions (2):

Labcorp Genetics (formerly Invitae), Labcorp
Classification: Uncertain significance. Last evaluated: 2026-01-11. Review status: criteria provided, single submitter. Criteria: Invitae Variant Classification Sherloc (09022015). Collection method: clinical testing. Allele origin: germline.
Comment: This sequence change replaces serine, which is neutral and polar, with arginine, which is basic and polar, at codon 965 of the RP1 protein (p.Ser965Arg). This variant is present in population databases (rs536567969, gnomAD 0.04%). This variant has not been reported in the literature in individuals affected with RP1-related conditions. ClinVar contains an entry for this variant (Variation ID: 1430770). An algorithm developed to predict the effect of missense changes on protein structure and function (PolyPhen-2) suggests that this variant is likely to be tolerated. In summary, the available evidence is currently insufficient to determine the role of this variant in disease. Therefore, it has been classified as a Variant of Uncertain Significance.

Ambry Genetics
Classification: Uncertain significance for Inborn genetic diseases. Last evaluated: 2025-11-26. Review status: criteria provided, single submitter. Criteria: Ambry Variant Classification Scheme 2023. Collection method: clinical testing. Allele origin: germline.